The following is an entry in ClinVar:

ClinVar aggregate classification (germline): Uncertain significance (1 of 4 stars; one submission).

Conditions:
Alexander disease (ALXDRD). Also called: Alexander's disease. Identifiers: Orphanet 58, MedGen C0270726, MONDO:0008752, OMIM 203450.

Submission:

Dasa
Classification: Uncertain significance for Alexander disease. Last evaluated: 2025-09-24. Review status: criteria provided, single submitter. Criteria: DASA Assertion Criteria. Collection method: clinical testing. Allele origin: germline.
Comment: NM_002055.5(GFAP):c.194C>A (p.Thr65Asn) is a missense variant that results in the substitution of threonine with asparagine. This variant is absent from population databases. The currently available literature and clinical evidence are not sufficient to establish a definitive association between this variant and the reported condition. Therefore, this variant is classified as a variant of uncertain significance.

NM_002055.5(GFAP):c.194C>A (p.Thr65Asn)

Gene: GFAP (glial fibrillary acidic protein; minus strand). Cytogenetic location: 17q21.31.
Variant type: single nucleotide variant.
Coding change: c.194C>A on transcript NM_002055.5 (MANE Select); coding-DNA position 194, C replaced by A.
Protein change: p.Thr65Asn; replaces threonine 65 with asparagine.
Molecular consequence: missense variant.
Genome position (GRCh38, 1-based): chr17:44,915,293, G>T on the plus strand (C>A on the coding strand, the complement: GFAP is on the minus strand). VCF-style: chr17-44915293-G-T. GRCh37 (hg19) VCF-style: chr17-42992661-G-T.
Other names: c.194C>A, p.Thr65Asn (NM_001131019.3, NM_001242376.3, NM_001363846.2); short protein forms T65N.
Identifiers: ClinVar variation 4883454 (VCV004883454.2).